The following is an entry in ClinVar:

ClinVar aggregate classification (germline): Benign. Review status: criteria provided, multiple submitters, no conflicts (2 of 4 stars). 2 submissions from 2 submitters: Benign (2). Last evaluated 2018-06-14.

Allele frequency attached by ClinVar (database versions not stated): 1000 Genomes Project 0.04892; 1000 Genomes Project 30x 0.04997; gnomAD exomes 0.05487; gnomAD 0.06522 and 0.06831; TOPMed 0.06961.
gnomAD v4.1: 81,222 of 1,450,974 alleles (5.6%); highest among the groups gnomAD compares: African/African-American, 11%; 2,676 homozygotes.

Submissions (2):

GeneDx
Classification: Benign. Last evaluated: 2018-06-14. Review status: criteria provided, single submitter. Criteria: GeneDx Variant Classification (06012015). Collection method: clinical testing. Allele origin: germline. Affected: yes.
Comment: This variant is considered likely benign or benign based on one or more of the following criteria: it is a conservative change, it occurs at a poorly conserved position in the protein, it is predicted to be benign by multiple in silico algorithms, and/or has population frequency not consistent with disease.

Breakthrough Genomics
Classification: Benign. Review status: criteria provided, single submitter. Criteria: ACMG Guidelines, 2015. Collection method: not provided. Allele origin: germline. Inheritance: Autosomal dominant inheritance. Affected: yes.

NM_022114.4(PRDM16):c.1033-76G>A

Gene: PRDM16 (PR/SET domain 16; plus strand). Cytogenetic location: 1p36.32.
Variant type: single nucleotide variant.
Coding change: c.1033-76G>A on transcript NM_022114.4 (MANE Select); 76 bases into the intron before coding-DNA position 1033, G replaced by A.
Molecular consequence: intron variant.
Genome position (GRCh38, 1-based): chr1:3,405,419, G>A. VCF-style: chr1-3405419-G-A. GRCh37 (hg19) VCF-style: chr1-3321983-G-A.
Other names: c.1033-76G>A (NM_199454.3).
Identifiers: ClinVar variation 675426 (VCV000675426.2), dbSNP rs2493305, ClinGen allele CA10761278.